The following is an entry in ClinVar:

NM_000396.4(CTSK):c.290del (p.Leu97fs)

Gene: CTSK (cathepsin K; minus strand). Cytogenetic location: 1q21.3.
Variant type: Deletion.
Coding change: c.290del on transcript NM_000396.4 (MANE Select); coding-DNA position 290, one base deleted (T; older notation c.290delT).
Protein change: p.Leu97fs; shifts the reading frame from leucine 97.
Molecular consequence: frameshift variant.
Genome position (GRCh38, 1-based): chr1:150,805,970, A deleted on the plus strand (T on the coding strand, the reverse complement: CTSK is on the minus strand). VCF-style (leftmost placement, unchanged base first): chr1-150805969-CA-C. GRCh37 (hg19) VCF-style: chr1-150778445-CA-C.
Other names: c.290del (NM_000396.3); short protein forms L97fs.
Identifiers: ClinVar variation 2126304 (VCV002126304.5), dbSNP rs1654082906, ClinGen allele CA2479314943.
Genomic context (GRCh38, chr1:150,805,969, plus strand): 5'-GTCTGGGGCTCTACCTTCCCATTCTGGGATATAAAGGGTGTCATTACTGCGGGAATGAGA[CA>C]GGGGTACTTTGAGTCCAGTCATCTTCTGAACCACCTCTTCACTGGTCTAAGACAAAGAAG-3'

ClinVar aggregate classification (germline): Pathogenic/Likely pathogenic. Review status: criteria provided, multiple submitters, no conflicts (2 of 4 stars). 2 submissions from 2 submitters: Pathogenic (1); Likely pathogenic (1). Last evaluated 2025-12-26.

Conditions:
Pyknodysostosis. Also called: Pycnodysostosis. Identifiers: Orphanet 763, MedGen C0238402, MONDO:0009940, OMIM 265800.

Allele frequency attached by ClinVar (database versions not stated): gnomAD exomes below 0.00001; TOPMed below 0.00001.

Submissions (2):

Natera, Inc.
Classification: Likely pathogenic for Pyknodysostosis. Last evaluated: 2025-12-26. Review status: criteria provided, single submitter. Criteria: Natera Variant Classification Schema (03/2026). Collection method: clinical testing. Allele origin: germline.
Comment: The c.290del variant in CTSK is a frameshift variant predicted to shift the reading frame beginning at codon 97 and leads to a stop codon 64 codons downstream. This variant is expected to result in nonsense mediated decay, truncation, or a dysfunctional protein product. This variant is rare in the general population with a frequency below the threshold expected for the associated phenotype(s). Given the available evidence, this variant is classified as Likely Pathogenic.

Labcorp Genetics (formerly Invitae), Labcorp
Classification: Pathogenic. Last evaluated: 2024-03-06. Review status: criteria provided, single submitter. Criteria: Invitae Variant Classification Sherloc (09022015). Collection method: clinical testing. Allele origin: germline.
Comment: This sequence change creates a premature translational stop signal (p.Leu97Argfs*64) in the CTSK gene. It is expected to result in an absent or disrupted protein product. Loss-of-function variants in CTSK are known to be pathogenic (PMID: 12125807, 21569238). This variant is not present in population databases (gnomAD no frequency). This variant has not been reported in the literature in individuals affected with CTSK-related conditions. ClinVar contains an entry for this variant (Variation ID: 2126304). For these reasons, this variant has been classified as Pathogenic.

Literature cited by the submitters: PubMed 12125807 (cited by Labcorp Genetics (formerly Invitae), Labcorp); PubMed 21569238 (cited by Labcorp Genetics (formerly Invitae), Labcorp).